The following is an entry in ClinVar:

NM_133433.4(NIPBL):c.1235G>A (p.Arg412His)

Gene: NIPBL (NIPBL cohesin loading factor; plus strand). Cytogenetic location: 5p13.2.
Variant type: single nucleotide variant.
Coding change: c.1235G>A on transcript NM_133433.4 (MANE Select); coding-DNA position 1235, G replaced by A.
Protein change: p.Arg412His; replaces arginine 412 with histidine.
Molecular consequence: missense variant.
Genome position (GRCh38, 1-based): chr5:36,976,142, G>A. VCF-style: chr5-36976142-G-A. GRCh37 (hg19) VCF-style: chr5-36976244-G-A.
Other names: c.1235G>A, p.Arg412His (NM_015384.5); c.1235G>A (NM_133433.3); short protein forms R412H.
Identifiers: ClinVar variation 2168517 (VCV002168517.5), dbSNP rs372266009, ClinGen allele CA3235998.

ClinVar aggregate classification (germline): Conflicting classifications of pathogenicity. Review status: criteria provided, conflicting classifications (1 of 4 stars). 2 submissions from 2 submitters: Uncertain significance (1); Likely benign (1). Last evaluated 2025-03-16.

Conditions:
Inborn genetic diseases. Identifiers: MedGen C0950123, MeSH D030342.
Cornelia de Lange syndrome 1 (CDLS1). Also called: NIPBL-Related Cornelia de Lange Syndrome; TYPUS DEGENERATIVUS AMSTELODAMENSIS; Brachmann de Lange syndrome. Identifiers: Orphanet 199, MedGen C4551851, MONDO:0007387, OMIM 122470.

Allele frequency attached by ClinVar (database versions not stated): ExAC 0.00001; TOPMed 0.00001; gnomAD exomes 0.00002; gnomAD 0.00003; ESP Exome Variant Server 0.00008.
gnomAD v4.1: 30 of 1,613,406 alleles (0.0019%); highest among the groups gnomAD compares: Middle Eastern, 0.016%; no homozygotes.

Submissions (2):

Labcorp Genetics (formerly Invitae), Labcorp
Classification: Uncertain significance for Cornelia de Lange syndrome 1. Last evaluated: 2025-03-16. Review status: criteria provided, single submitter. Criteria: Invitae Variant Classification Sherloc (09022015). Collection method: clinical testing. Allele origin: germline.
Comment: This sequence change replaces arginine, which is basic and polar, with histidine, which is basic and polar, at codon 412 of the NIPBL protein (p.Arg412His). This variant is present in population databases (rs372266009, gnomAD 0.006%). This variant has not been reported in the literature in individuals affected with NIPBL-related conditions. ClinVar contains an entry for this variant (Variation ID: 2168517). Invitae Evidence Modeling of protein sequence and biophysical properties (such as structural, functional, and spatial information, amino acid conservation, physicochemical variation, residue mobility, and thermodynamic stability) indicates that this missense variant is not expected to disrupt NIPBL protein function with a negative predictive value of 95%. In summary, the available evidence is currently insufficient to determine the role of this variant in disease. Therefore, it has been classified as a Variant of Uncertain Significance.

Ambry Genetics
Classification: Likely benign for Inborn genetic diseases. Last evaluated: 2024-05-08. Review status: criteria provided, single submitter. Criteria: Ambry Variant Classification Scheme 2023. Collection method: clinical testing. Allele origin: germline.